The following is an entry in ClinVar:

NM_014874.4(MFN2):c.1653G>A (p.Met551Ile)

Genes: MFN2 (mitofusin 2; plus strand), LOC129929426 (ATAC-STARR-seq lymphoblastoid active region 185; plus strand). Cytogenetic location: 1p36.22.
Variant type: single nucleotide variant.
Coding change: c.1653G>A on transcript NM_014874.4 (MANE Select); coding-DNA position 1653, G replaced by A.
Protein change: p.Met551Ile; replaces methionine 551 with isoleucine.
Molecular consequence: missense variant.
Genome position (GRCh38, 1-based): chr1:12,005,868, G>A. VCF-style: chr1-12005868-G-A. GRCh37 (hg19) VCF-style: chr1-12065925-G-A.
Other names: c.1653G>A, p.Met551Ile (NM_001127660.2); short protein forms M551I.
Identifiers: ClinVar variation 476766 (VCV000476766.10), dbSNP rs1553145126, ClinGen allele CA338448163.

ClinVar aggregate classification (germline): Uncertain significance. Review status: criteria provided, multiple submitters, no conflicts (2 of 4 stars). 2 submissions from 2 submitters: Uncertain significance (2). Last evaluated 2026-08-01.

Conditions:
Charcot-Marie-Tooth disease type 2. Also called: Charcot-Marie-Tooth type 2. Identifiers: Orphanet 64746, MedGen C0270914, MONDO:0018993.

Allele frequency attached by ClinVar (database versions not stated): gnomAD exomes below 0.00001.
gnomAD v4.1: 8 of 1,614,202 alleles (0.0005%); highest among the groups gnomAD compares: Non-Finnish European, 0.00059%; no homozygotes.

Submissions (2):

CeGaT Center for Human Genetics Tuebingen
Classification: Uncertain significance. Last evaluated: 2026-08-01. Review status: criteria provided, single submitter. Criteria: CeGaT Center For Human Genetics Tuebingen Variant Classification Criteria Version 2. Collection method: clinical testing. Allele origin: germline. Affected: yes. Observed: 1 variant allele.
Comment: MFN2: PM2

Labcorp Genetics (formerly Invitae), Labcorp
Classification: Uncertain significance for Charcot-Marie-Tooth disease type 2. Last evaluated: 2017-01-23. Review status: criteria provided, single submitter. Criteria: Invitae Variant Classification Sherloc (09022015). Collection method: clinical testing. Allele origin: germline.
Comment: In summary, this variant is a novel missense change with uncertain impact on protein function. It has been classified as a Variant of Uncertain Significance. Algorithms developed to predict the effect of missense changes on protein structure and function do not agree on the potential impact of this missense change (SIFT: "Tolerated"; PolyPhen-2: "Probably Damaging"; Align-GVGD: "Class C0"). This variant is not present in population databases (ExAC no frequency) and has not been reported in the literature in individuals with a MFN2-related disease. This sequence change replaces methionine with isoleucine at codon 551 of the MFN2 protein (p.Met551Ile). The methionine residue is moderately conserved and there is a small physicochemical difference between methionine and isoleucine.